The following is an entry in ClinVar:

NM_148919.4(PSMB8):c.212A>G (p.His71Arg)

Gene: PSMB8 (proteasome 20S subunit beta 8; minus strand). Cytogenetic location: 6p21.32.
Variant type: single nucleotide variant.
Coding change: c.212A>G on transcript NM_148919.4 (MANE Select); coding-DNA position 212, A replaced by G.
Protein change: p.His71Arg; replaces histidine 71 with arginine.
Molecular consequence: missense variant.
Genome position (GRCh38, 1-based): chr6:32,843,025, T>C on the plus strand (A>G on the coding strand, the complement: PSMB8 is on the minus strand). VCF-style: chr6-32843025-T-C. GRCh37 (hg19) VCF-style: chr6-32810802-T-C.
Other names: c.200A>G, p.His67Arg (NM_004159.5); short protein forms H67R, H71R.
Identifiers: ClinVar variation 2147267 (VCV002147267.4), dbSNP rs2483089577, ClinGen allele CA363589483.

ClinVar aggregate classification (germline): Uncertain significance (1 of 4 stars; one submission).

Conditions:
Proteosome-associated autoinflammatory syndrome. Also called: Proteasome-associated autoinflammatory syndrome. Identifiers: Orphanet 324977, MedGen C1850568, MONDO:0009726.

Allele frequency attached by ClinVar (database versions not stated): gnomAD exomes below 0.00001.
gnomAD v4.1: 2 of 1,613,120 alleles (0.00012%); highest among the groups gnomAD compares: Non-Finnish European, 0.00017%; no homozygotes.

Submission:

Labcorp Genetics (formerly Invitae), Labcorp
Classification: Uncertain significance for Proteosome-associated autoinflammatory syndrome. Last evaluated: 2022-08-21. Review status: criteria provided, single submitter. Criteria: Invitae Variant Classification Sherloc (09022015). Collection method: clinical testing. Allele origin: germline.
Comment: In summary, the available evidence is currently insufficient to determine the role of this variant in disease. Therefore, it has been classified as a Variant of Uncertain Significance. Algorithms developed to predict the effect of missense changes on protein structure and function are either unavailable or do not agree on the potential impact of this missense change (SIFT: "Tolerated"; PolyPhen-2: "Probably Damaging"; Align-GVGD: "Class C0"). This variant has not been reported in the literature in individuals affected with PSMB8-related conditions. This variant is not present in population databases (gnomAD no frequency). This sequence change replaces histidine, which is basic and polar, with arginine, which is basic and polar, at codon 71 of the PSMB8 protein (p.His71Arg).